The following is an entry in ClinVar:

ClinVar aggregate classification (germline): Uncertain significance (1 of 4 stars; one submission).

Conditions:
Familial adenomatous polyposis 1 (FAP1). Also called: FAMILIAL ADENOMATOUS POLYPOSIS 1, ATTENUATED; POLYPOSIS, ADENOMATOUS INTESTINAL. Identifiers: MedGen C2713442, MONDO:0021056, OMIM 175100. Disease mechanism: loss of function.

Submission:

Labcorp Genetics (formerly Invitae), Labcorp
Classification: Uncertain significance for Familial adenomatous polyposis 1. Last evaluated: 2021-07-26. Review status: criteria provided, single submitter. Criteria: Invitae Variant Classification Sherloc (09022015). Collection method: clinical testing. Allele origin: germline.
Comment: In summary, the available evidence is currently insufficient to determine the role of this variant in disease. Therefore, it has been classified as a Variant of Uncertain Significance. Experimental studies and prediction algorithms are not available or were not evaluated, and the functional significance of this variant is currently unknown. This variant has not been reported in the literature in individuals affected with APC-related conditions. The frequency data for this variant in the population databases is considered unreliable, as metrics indicate insufficient coverage at this position in the ExAC database. This variant occurs in a non-coding region of the APC gene. It does not change the encoded amino acid sequence of the APC protein.

NC_000005.10:g.112707486TC[1]

Genes: APC (APC regulator of Wnt signaling pathway; plus strand), LOC129994371 (ATAC-STARR-seq lymphoblastoid active region 22910; plus strand). Cytogenetic location: 5q22.2.
Variant type: Microsatellite.
Genome position: GRCh38 VCF-style: chr5-112707484-CCT-C. GRCh37 (hg19) VCF-style: chr5-112043181-CCT-C.
Identifiers: ClinVar variation 1393121 (VCV001393121.6), dbSNP rs2149629041, ClinGen allele CA2580613613.